The following is an entry in ClinVar:

ClinVar aggregate classification (germline): Uncertain significance. Review status: criteria provided, multiple submitters, no conflicts (2 of 4 stars). 2 submissions from 2 submitters: Uncertain significance (2). Last evaluated 2024-03-24.

Conditions:
Malignant hyperthermia, susceptibility to, 1 (MHS1). Also called: Anesthesia related hyperthermia; Malignant hyperpyrexia; Fulminating hyperpyrexia; Pharmacogenic myopathy; RYR1-Related Malignant Hyperthermia Susceptibility; Malignant hyperthermia suceptibility 1. Identifiers: Orphanet 423, MedGen C2930980, MONDO:0007783, OMIM 145600.

Submissions (2):

All of Us Research Program, National Institutes of Health
Classification: Uncertain significance for Malignant hyperthermia, susceptibility to, 1. Last evaluated: 2024-03-24. Review status: criteria provided, single submitter. Criteria: ACMG Guidelines, 2015. Collection method: clinical testing. Allele origin: germline. Inheritance: Autosomal dominant inheritance. Observed: 1 variant allele, 1 heterozygote.
Comment: This missense variant replaces arginine with proline at codon 425 of the RYR1 protein. Computational prediction is inconclusive regarding the impact of this variant on protein structure and function (internally defined REVEL score threshold 0.5 < inconclusive < 0.7, PMID: 27666373). To our knowledge, functional studies have not been reported for this variant. This variant has not been reported in individuals affected with RYR1-related disorders in the literature. This variant has not been identified in the general population by the Genome Aggregation Database (gnomAD). The available evidence is insufficient to determine the role of this variant in disease conclusively. Therefore, this variant is classified as a Variant of Uncertain Significance.

This study involves interpretation of variants in research participants for the purpose of population health screening. Participant phenotype was not available at the time of variant classification. Additional details can be found in publication PMID: 35346344, PMCID: PMC8962531

CeGaT Center for Human Genetics Tuebingen
Classification: Uncertain significance. Last evaluated: 2022-10-01. Review status: criteria provided, single submitter. Criteria: CeGaT Center For Human Genetics Tuebingen Variant Classification Criteria Version 2. Collection method: clinical testing. Allele origin: germline. Affected: yes. Observed: 1 variant allele.
Comment: RYR1: PM2

NM_000540.3(RYR1):c.1274G>C (p.Arg425Pro)

Gene: RYR1 (ryanodine receptor 1; plus strand). Cytogenetic location: 19q13.2.
Variant type: single nucleotide variant.
Coding change: c.1274G>C on transcript NM_000540.3 (MANE Select); coding-DNA position 1274, G replaced by C.
Protein change: p.Arg425Pro; replaces arginine 425 with proline.
Molecular consequence: missense variant.
Genome position (GRCh38, 1-based): chr19:38,452,848, G>C. VCF-style: chr19-38452848-G-C. GRCh37 (hg19) VCF-style: chr19-38943488-G-C.
Other names: c.1274G>C, p.Arg425Pro (NM_001042723.2); short protein forms R425P.
Identifiers: ClinVar variation 2649791 (VCV002649791.25), dbSNP rs1032622002, ClinGen allele CA405685317.